The following is an entry in ClinVar:

ClinVar aggregate classification (germline): Uncertain significance (1 of 4 stars; one submission).

Conditions:
Saldino-Mainzer syndrome (SRTD9). Also called: Renal dysplasia, retinal pigmentary dystrophy, cerebellar ataxia and skeletal dysplasia; CONORENAL SYNDROME; SHORT-RIB THORACIC DYSPLASIA 9 WITHOUT POLYDACTYLY; short-rib thoracic dysplasia 9 with or without polydactyly. Identifiers: Orphanet 140969, MedGen C1849437, MONDO:0009964, OMIM 266920.

gnomAD v4.1: 2 of 1,568,100 alleles (0.00013%); highest among the groups gnomAD compares: Non-Finnish European, 0.00017%; no homozygotes.

Submission:

Labcorp Genetics (formerly Invitae), Labcorp
Classification: Uncertain significance for Saldino-Mainzer syndrome. Last evaluated: 2026-01-25. Review status: criteria provided, single submitter. Criteria: Invitae Variant Classification Sherloc (09022015). Collection method: clinical testing. Allele origin: germline.
Comment: This sequence change falls in intron 17 of the IFT140 gene. It does not directly change the encoded amino acid sequence of the IFT140 protein. It affects a nucleotide within the consensus splice site. This variant is present in population databases (rs111785408, gnomAD 0.0009%). This variant has not been reported in the literature in individuals affected with IFT140-related conditions. ClinVar contains an entry for this variant (Variation ID: 1448797). Variants that disrupt the consensus splice site are a relatively common cause of aberrant splicing (PMID: 17576681, 9536098). Algorithms developed to predict the effect of sequence changes on RNA splicing suggest that this variant is not likely to affect RNA splicing. In summary, the available evidence is currently insufficient to determine the role of this variant in disease. Therefore, it has been classified as a Variant of Uncertain Significance.

Literature cited by the submitters: PubMed 17576681; PubMed 9536098.

NM_014714.4(IFT140):c.2067+4C>G

Gene: IFT140 (intraflagellar transport 140; minus strand). Cytogenetic location: 16p13.3.
Variant type: single nucleotide variant.
Coding change: c.2067+4C>G on transcript NM_014714.4 (MANE Select); 4 bases into the intron after coding-DNA position 2067, C replaced by G.
Molecular consequence: intron variant.
Genome position (GRCh38, 1-based): chr16:1,563,993, G>C on the plus strand (C>G on the coding strand, the complement: IFT140 is on the minus strand). VCF-style: chr16-1563993-G-C. GRCh37 (hg19) VCF-style: chr16-1613994-G-C.
Identifiers: ClinVar variation 1448797 (VCV001448797.6), dbSNP rs111785408, ClinGen allele CA7814030.